The following is an entry in ClinVar:

NM_020533.3(MCOLN1):c.1077C>T (p.Val359=)

Gene: MCOLN1 (mucolipin TRP cation channel 1; plus strand). Cytogenetic location: 19p13.2.
Variant type: single nucleotide variant.
Coding change: c.1077C>T on transcript NM_020533.3 (MANE Select); coding-DNA position 1077, C replaced by T.
Protein change: p.Val359=; no amino-acid change (valine 359 retained).
Molecular consequence: synonymous variant.
Genome position (GRCh38, 1-based): chr19:7,528,913, C>T. VCF-style: chr19-7528913-C-T. GRCh37 (hg19) VCF-style: chr19-7593799-C-T.
Identifiers: ClinVar variation 459178 (VCV000459178.19), dbSNP rs200417975, ClinGen allele CA9139023.

ClinVar aggregate classification (germline): Conflicting classifications of pathogenicity. Review status: criteria provided, conflicting classifications (1 of 4 stars). 4 submissions from 4 submitters: Uncertain significance (1); Benign (1). 2 of the submissions do not count toward it. Last evaluated 2026-01-26.

Conditions:
MCOLN1-related disorder. Also called: MCOLN1-related condition.
Mucolipidosis type IV (ML4). Also called: ML IV. Identifiers: Orphanet 578, MedGen C0238286, MONDO:0009653, OMIM 252650.

Allele frequency attached by ClinVar (database versions not stated): gnomAD below 0.00001 and 0.00019; TOPMed 0.00005; gnomAD exomes 0.00035 and 0.00073; ExAC 0.00088; 1000 Genomes Project 30x 0.00172; 1000 Genomes Project 0.00180.

Submissions (4):

Labcorp Genetics (formerly Invitae), Labcorp
Classification: Benign for Mucolipidosis type IV. Last evaluated: 2026-01-26. Review status: criteria provided, single submitter. Criteria: Invitae Variant Classification Sherloc (09022015). Collection method: clinical testing. Allele origin: germline.

Illumina Laboratory Services, Illumina
Classification: Uncertain significance for Mucolipidosis type IV. Last evaluated: 2018-01-13. Review status: criteria provided, single submitter. Criteria: ICSL Variant Classification Criteria 13 December 2019. Collection method: clinical testing. Allele origin: germline.

Natera, Inc.
Classification: Likely benign for Mucolipidosis type IV. Last evaluated: 2020-04-10. Review status: no assertion criteria provided. Collection method: clinical testing. Allele origin: germline. Not counted in ClinVar's aggregate classification.

PreventionGenetics, part of Exact Sciences
Classification: Likely benign for MCOLN1-related condition. Last evaluated: 2020-01-03. Review status: no assertion criteria provided. Collection method: clinical testing. Allele origin: germline. Not counted in ClinVar's aggregate classification.
Comment: This variant is classified as likely benign based on ACMG/AMP sequence variant interpretation guidelines (Richards et al. 2015 PMID: 25741868, with internal and published modifications).